The following is an entry in ClinVar:

ClinVar aggregate classification (germline): Uncertain significance (1 of 4 stars; one submission).

Conditions:
Propionic acidemia (PROP). Also called: GLYCINEMIA, KETOTIC; HYPERGLYCINEMIA WITH KETOACIDOSIS AND LEUKOPENIA; KETOTIC HYPERGLYCINEMIA. Identifiers: Orphanet 35, MedGen C0268579, MONDO:0011628, OMIM 606054, HP:0003571.

gnomAD v4.1: 2 of 1,613,404 alleles (0.00012%); highest among the groups gnomAD compares: African/African-American, 0.0013%; no homozygotes.

Submission:

Labcorp Genetics (formerly Invitae), Labcorp
Classification: Uncertain significance for Propionic acidemia. Last evaluated: 2022-07-08. Review status: criteria provided, single submitter. Criteria: Invitae Variant Classification Sherloc (09022015). Collection method: clinical testing. Allele origin: germline.
Comment: In summary, the available evidence is currently insufficient to determine the role of this variant in disease. Therefore, it has been classified as a Variant of Uncertain Significance. Advanced modeling of protein sequence and biophysical properties (such as structural, functional, and spatial information, amino acid conservation, physicochemical variation, residue mobility, and thermodynamic stability) performed at Invitae indicates that this missense variant is not expected to disrupt PCCA protein function. This variant has not been reported in the literature in individuals affected with PCCA-related conditions. This variant is not present in population databases (gnomAD no frequency). This sequence change replaces valine, which is neutral and non-polar, with leucine, which is neutral and non-polar, at codon 607 of the PCCA protein (p.Val607Leu).

NM_000282.4(PCCA):c.1819G>C (p.Val607Leu)

Gene: PCCA (propionyl-CoA carboxylase subunit alpha; plus strand). Cytogenetic location: 13q32.3.
Variant type: single nucleotide variant.
Coding change: c.1819G>C on transcript NM_000282.4 (MANE Select); coding-DNA position 1819, G replaced by C.
Protein change: p.Val607Leu; replaces valine 607 with leucine.
Molecular consequence: missense variant. On other transcripts: non-coding transcript variant (5).
Genome position (GRCh38, 1-based): chr13:100,425,705, G>C. VCF-style: chr13-100425705-G-C. GRCh37 (hg19) VCF-style: chr13-101077959-G-C.
Other names: c.1741G>C, p.Val581Leu (NM_001127692.3, NM_001352607.2); c.1819G>C, p.Val607Leu (NM_001178004.2, NM_001352605.2, NM_001352609.2); c.1675G>C, p.Val559Leu (NM_001352606.2); c.1597G>C, p.Val533Leu (NM_001352608.2); c.874G>C, p.Val292Leu (NM_001352610.2, NM_001352611.2); c.730G>C, p.Val244Leu (NM_001352612.2); short protein forms V244L, V607L, V292L, V559L, V533L, V581L.
Identifiers: ClinVar variation 2002318 (VCV002002318.2), dbSNP rs751083923, ClinGen allele CA388696878.